The following is an entry in ClinVar:

NM_001040436.3(YARS2):c.101G>A (p.Gly34Asp)

Gene: YARS2 (tyrosyl-tRNA synthetase 2; minus strand). Cytogenetic location: 12p11.21.
Variant type: single nucleotide variant.
Coding change: c.101G>A on transcript NM_001040436.3 (MANE Select); coding-DNA position 101, G replaced by A.
Protein change: p.Gly34Asp; replaces glycine 34 with aspartic acid.
Molecular consequence: missense variant.
Genome position (GRCh38, 1-based): chr12:32,755,774, C>T on the plus strand (G>A on the coding strand, the complement: YARS2 is on the minus strand). VCF-style: chr12-32755774-C-T. GRCh37 (hg19) VCF-style: chr12-32908708-C-T.
Other names: short protein forms G34D.
Identifiers: ClinVar variation 1707796 (VCV001707796.6), dbSNP rs146395254, ClinGen allele CA6508238.
Genomic context (GRCh38, chr12:32,755,774, plus strand): 5'-TCCGGGAAGAAGTCCTTGAACAGACCTCGAGCCTTCTGCGCTGCCAGTAACCCCTGAGCG[C>T]CCGAGTGGGCCTTACGCAGCCCCAAGGGCAACAATACTGAGAGATTTAGGGTACCAGACC-3'
Protein context (NP_001035526.1, residues 24-44): LPLGLRKAHS[Gly34Asp]AQGLLAAQKA

ClinVar aggregate classification (germline): Uncertain significance. Review status: criteria provided, multiple submitters, no conflicts (2 of 4 stars). 3 submissions from 3 submitters: Uncertain significance (3). Last evaluated 2023-10-17.

Conditions:
Inborn genetic diseases. Identifiers: MedGen C0950123, MeSH D030342.

Allele frequency attached by ClinVar (database versions not stated): ExAC 0.00004; gnomAD 0.00015; TOPMed 0.00018; ESP Exome Variant Server 0.00038.
gnomAD v4.1: 45 of 1,613,828 alleles (0.0028%); highest among the groups gnomAD compares: African/African-American, 0.052%; no homozygotes.

Submissions (3):

Ambry Genetics
Classification: Uncertain significance for Inborn genetic diseases. Last evaluated: 2023-10-17. Review status: criteria provided, single submitter. Criteria: Ambry Variant Classification Scheme 2023. Collection method: clinical testing. Allele origin: germline.

Labcorp Genetics (formerly Invitae), Labcorp
Classification: Uncertain significance. Last evaluated: 2023-06-06. Review status: criteria provided, single submitter. Criteria: Invitae Variant Classification Sherloc (09022015). Collection method: clinical testing. Allele origin: germline.
Comment: This sequence change replaces glycine, which is neutral and non-polar, with aspartic acid, which is acidic and polar, at codon 34 of the YARS2 protein (p.Gly34Asp). In summary, the available evidence is currently insufficient to determine the role of this variant in disease. Therefore, it has been classified as a Variant of Uncertain Significance. Advanced modeling of protein sequence and biophysical properties (such as structural, functional, and spatial information, amino acid conservation, physicochemical variation, residue mobility, and thermodynamic stability) performed at Invitae indicates that this missense variant is not expected to disrupt YARS2 protein function. ClinVar contains an entry for this variant (Variation ID: 1707796). This variant has not been reported in the literature in individuals affected with YARS2-related conditions. This variant is present in population databases (rs146395254, gnomAD 0.04%).

GeneDx
Classification: Uncertain significance. Last evaluated: 2022-03-31. Review status: criteria provided, single submitter. Criteria: GeneDx Variant Classification Process June 2021. Collection method: clinical testing. Allele origin: germline. Affected: yes.
Comment: In silico analysis supports that this missense variant does not alter protein structure/function; Has not been previously published as pathogenic or benign to our knowledge